The following is an entry in ClinVar:

NM_014825.3(URB1):c.3714C>T (p.Leu1238=)

Gene: URB1 (URB1 ribosome biogenesis factor; minus strand). Cytogenetic location: 21q22.11.
Variant type: single nucleotide variant.
Coding change: c.3714C>T on transcript NM_014825.3 (MANE Select); coding-DNA position 3714, C replaced by T.
Protein change: p.Leu1238=; no amino-acid change (leucine 1238 retained).
Molecular consequence: synonymous variant.
Genome position (GRCh38, 1-based): chr21:32,347,110, G>A on the plus strand (C>T on the coding strand, the complement: URB1 is on the minus strand). VCF-style: chr21-32347110-G-A. GRCh37 (hg19) VCF-style: chr21-33719419-G-A.
Identifiers: ClinVar variation 2652598 (VCV002652598.24), dbSNP rs776017303, ClinGen allele CA10001503.
Genomic context (GRCh38, chr21:32,347,110, plus strand): 5'-CCCTGGGCCAGCCTGCAGGCACCACTGCTCGAACCACAGCAAGTGGGTGCAGCTCTCCTG[G>A]AGGAGCAGGGCAGCGATGCTGAGGGCCGCCTGTGTGCGCCGGGCCAGGCAGTAGTCAAGC-3'
Protein context (NP_055640.2, residues 1228-1248): QAALSIAALL[Leu1238=]QESCTHLLWF

ClinVar aggregate classification (germline): Likely benign (1 of 4 stars; one submission).

Allele frequency attached by ClinVar (database versions not stated): 1000 Genomes Project 30x 0.00047; ExAC 0.00096; gnomAD 0.00155; TOPMed 0.00168.
gnomAD v4.1: 4,161 of 1,549,906 alleles (0.27%); highest among the groups gnomAD compares: Non-Finnish European, 0.34%; 8 homozygotes.

Submission:

CeGaT Center for Human Genetics Tuebingen
Classification: Likely benign. Last evaluated: 2022-06-01. Review status: criteria provided, single submitter. Criteria: CeGaT Center For Human Genetics Tuebingen Variant Classification Criteria Version 2. Collection method: clinical testing. Allele origin: germline. Affected: yes. Observed: 1 variant allele.
Comment: URB1: BP4, BP7